The following is an entry in ClinVar:

ClinVar aggregate classification (germline): Conflicting classifications of pathogenicity. Review status: criteria provided, conflicting classifications (1 of 4 stars). 5 submissions from 5 submitters: Uncertain significance (4); Likely benign (1). Last evaluated 2025-07-21.

Conditions:
BRCA1-related disorder. Also called: BRCA1-related condition.
Hereditary breast ovarian cancer syndrome. Also called: Hereditary breast and ovarian cancer syndrome; Hereditary breast and ovarian cancer syndrome (HBOC); BRCA1- and BRCA2-Associated Hereditary Breast and Ovarian Cancer; Breast and ovarian cancer; Hereditary breast and ovarian cancer; Hereditary breast and/or ovarian cancer syndrome. Identifiers: Orphanet 145, MedGen C0677776, MeSH D061325, MONDO:0003582. Disease mechanism: loss of function.
Hereditary cancer-predisposing syndrome. Also called: Hereditary Cancer Syndrome; Hereditary neoplastic syndrome; Tumor predisposition; Neoplastic Syndromes, Hereditary. Identifiers: Orphanet 140162, MedGen C0027672, MeSH D009386, MONDO:0015356.

Allele frequency attached by ClinVar (database versions not stated): TOPMed below 0.00001; gnomAD 0.00001.
gnomAD v4.1: 1 of 1,613,442 alleles (0.000062%); highest among the groups gnomAD compares: African/African-American, 0.0013%; no homozygotes.

Submissions (6):

Quest Diagnostics Nichols Institute San Juan Capistrano
Classification: Uncertain significance. Last evaluated: 2025-07-21. Review status: criteria provided, single submitter. Criteria: Quest Diagnostics criteria. Collection method: clinical testing. Allele origin: unknown.
Comment: The BRCA1 c.222A>C (p.Gln74His) variant has not been reported in individuals with BRCA1-related conditions in the published literature. Assessment of experimental evidence suggests that this variant does not disrupt normal protein function (PMID: 30209399 (2018)). The frequency of this variant in the general population (Genome Aggregation Database) is uninformative in the assessment of its pathogenicity. Analysis of this variant using bioinformatics tools for the prediction of the effect of amino acid changes on protein structure and function yielded conflicting predictions that this variant is benign or damaging. Based on the available information, we are unable to determine the clinical significance of this variant.

PreventionGenetics, part of Exact Sciences
Classification: Uncertain significance for BRCA1-related condition. Last evaluated: 2025-01-15. Review status: criteria provided, single submitter. Criteria: ACMG Guidelines, 2015. Collection method: clinical testing. Allele origin: germline.
Comment: The BRCA1 c.222A>C variant is predicted to result in the amino acid substitution p.Gln74His. To our knowledge, this variant has not been reported in the literature in individuals with hereditary cancer. This variant is reported in 0.011% of alleles in individuals of African descent in gnomAD and has conflicting interpretations in ClinVar ranging uncertain to likely benign. At this time, the clinical significance of this variant is uncertain due to the absence of conclusive functional and genetic evidence.

Color Diagnostics, LLC DBA Color Health
Classification: Uncertain significance for Hereditary cancer-predisposing syndrome. Last evaluated: 2024-05-22. Review status: criteria provided, single submitter. Criteria: ACMG Guidelines, 2015. Collection method: clinical testing. Allele origin: germline.
Comment: This missense variant replaces glutamine with histidine at codon 74 of the BRCA1 protein. Computational prediction is inconclusive regarding the impact of this variant on protein structure and function. Functional studies reported that the variant does not impact BRCA1 function in a haploid cell proliferation, BARD1 binding and a ubiquitin E3 ligase assays (PMID: 25823446, 30209399, 35659930). This variant has been reported in one individual affected with prostate cancer (PMID: 32832836). This variant has been identified in 1/31394 chromosomes in the general population by the Genome Aggregation Database (gnomAD). The available evidence is insufficient to determine the role of this variant in disease conclusively. Therefore, this variant is classified as a Variant of Uncertain Significance.

Labcorp Genetics (formerly Invitae), Labcorp
Classification: Uncertain significance for Hereditary breast ovarian cancer syndrome. Last evaluated: 2024-04-03. Review status: criteria provided, single submitter. Criteria: Invitae Variant Classification Sherloc (09022015). Collection method: clinical testing. Allele origin: germline.
Comment: This sequence change replaces glutamine, which is neutral and polar, with histidine, which is basic and polar, at codon 74 of the BRCA1 protein (p.Gln74His). This variant is present in population databases (rs730881465, gnomAD 0.01%). This variant has not been reported in the literature in individuals affected with BRCA1-related conditions. ClinVar contains an entry for this variant (Variation ID: 182124). Advanced modeling performed at Invitae incorporating data from internal and/or published experimental studies (PMID: 30209399) indicates that this missense variant is not expected to disrupt BRCA1 function with a negative predictive value of 95%. Experimental studies have shown that this missense change does not substantially affect BRCA1 function (PMID: 30209399). In summary, the available evidence is currently insufficient to determine the role of this variant in disease. Therefore, it has been classified as a Variant of Uncertain Significance.

Ambry Genetics
Classification: Likely benign for Hereditary cancer-predisposing syndrome. Last evaluated: 2021-06-11. Review status: criteria provided, single submitter. Criteria: Ambry Variant Classification Scheme 2023. Collection method: clinical testing. Allele origin: germline.

Brotman Baty Institute, University of Washington
No classification provided (evidence only). Condition: Breast-ovarian cancer, familial 1. Review status: no classification provided. Collection method: in vitro. Allele origin: not applicable. Functional consequence: functionally_normal. Not counted in ClinVar's aggregate classification.
ClinVar note: "not provided" was previously submitted as the classification for the variant. However, the classification appeared to be based only on an observation of functional data so it was converted to no classification on 2025-07-30.

Literature cited by the submitters: PubMed 30209399 (cited by 4 submitters); PubMed 25823446 (cited by Color Diagnostics, LLC DBA Color Health); PubMed 32832836 (cited by Color Diagnostics, LLC DBA Color Health); PubMed 35659930 (cited by Color Diagnostics, LLC DBA Color Health).

NM_007294.4(BRCA1):c.222A>C (p.Gln74His)

Gene: BRCA1 (BRCA1 DNA repair associated; minus strand). Cytogenetic location: 17q21.31.
Variant type: single nucleotide variant.
Coding change: c.222A>C on transcript NM_007294.4 (MANE Select); coding-DNA position 222, A replaced by C.
Protein change: p.Gln74His; replaces glutamine 74 with histidine.
Molecular consequence: missense variant. On other transcripts: non-coding transcript variant (1).
Genome position (GRCh38, 1-based): chr17:43,104,947, T>G on the plus strand (A>C on the coding strand, the complement: BRCA1 is on the minus strand). VCF-style: chr17-43104947-T-G. GRCh37 (hg19) VCF-style: chr17-41256964-T-G.
Other names: c.222A>C, p.Gln74His (NM_001407647.1, NM_001407648.1, NM_001407649.1 and 168 more transcripts); c.144A>C, p.Gln48His (NM_001407653.1, NM_001407654.1, NM_001407655.1 and 21 more transcripts); c.81A>C, p.Gln27His (NM_001407692.1, NM_001407694.1, NM_001407695.1 and 99 more transcripts); c.12A>C, p.Gln4His (NM_001407853.1, NM_001407879.1, NM_001407881.1 and 58 more transcripts); c.-160A>C (NM_001407959.1, NM_001407960.1, NM_001407962.1 and 4 more transcripts); c.90A>C, p.Gln30His (NM_001408451.1); short protein forms Q74H, Q27H, Q30H, Q48H, Q4H.
Identifiers: ClinVar variation 182124 (VCV000182124.18), dbSNP rs730881465, ClinGen allele CA001492.